The following is an entry in ClinVar:

ClinVar aggregate classification (germline): Uncertain significance. Review status: criteria provided, multiple submitters, no conflicts (2 of 4 stars). 4 submissions from 4 submitters: Uncertain significance (3). 1 of the submissions does not count toward it. Last evaluated 2024-06-05.

Conditions:
Hereditary cancer-predisposing syndrome. Also called: Tumor predisposition; Neoplastic Syndromes, Hereditary; Hereditary neoplastic syndrome; Hereditary Cancer Syndrome. Identifiers: Orphanet 140162, MedGen C0027672, MeSH D009386, MONDO:0015356.
Ataxia-telangiectasia syndrome (AT). Also called: Ataxia-telangiectasia, complementation group D; AT, COMPLEMENTATION GROUP C; ATAXIA-TELANGIECTASIA, COMPLEMENTATION GROUP A; ATAXIA-TELANGIECTASIA, FRESNO VARIANT; Ataxia-telangiectasia; Ataxia telangiectasia (A-T). Identifiers: Orphanet 100, MedGen C0004135, MONDO:0008840, OMIM 208900.

Allele frequency attached by ClinVar (database versions not stated): gnomAD exomes below 0.00001; gnomAD 0.00001; TOPMed 0.00001.
gnomAD v4.1: 3 of 1,613,078 alleles (0.00019%); highest among the groups gnomAD compares: African/African-American, 0.004%; no homozygotes.

Submissions (4):

Labcorp Genetics (formerly Invitae), Labcorp
Classification: Uncertain significance for Ataxia-telangiectasia syndrome. Last evaluated: 2024-06-05. Review status: criteria provided, single submitter. Criteria: Invitae Variant Classification Sherloc (09022015). Collection method: clinical testing. Allele origin: germline.
Comment: This sequence change replaces methionine, which is neutral and non-polar, with valine, which is neutral and non-polar, at codon 2509 of the ATM protein (p.Met2509Val). This variant is not present in population databases (gnomAD no frequency). This variant has not been reported in the literature in individuals affected with ATM-related conditions. ClinVar contains an entry for this variant (Variation ID: 940517). Algorithms developed to predict the effect of missense changes on protein structure and function output the following: SIFT: "Not Available"; PolyPhen-2: "Benign"; Align-GVGD: "Not Available". The valine amino acid residue is found in multiple mammalian species, which suggests that this missense change does not adversely affect protein function. In summary, the available evidence is currently insufficient to determine the role of this variant in disease. Therefore, it has been classified as a Variant of Uncertain Significance.

Ambry Genetics
Classification: Uncertain significance for Hereditary cancer-predisposing syndrome. Last evaluated: 2023-08-01. Review status: criteria provided, single submitter. Criteria: Ambry Variant Classification Scheme 2023. Collection method: clinical testing. Allele origin: germline.
Comment: The p.M2509V variant (also known as c.7525A>G), located in coding exon 50 of the ATM gene, results from an A to G substitution at nucleotide position 7525. The methionine at codon 2509 is replaced by valine, an amino acid with highly similar properties. This amino acid position is not well conserved in available vertebrate species. In addition, this alteration is predicted to be tolerated by in silico analysis. Since supporting evidence is limited at this time, the clinical significance of this alteration remains unclear.

GeneDx
Classification: Uncertain significance. Last evaluated: 2022-04-08. Review status: criteria provided, single submitter. Criteria: GeneDx Variant Classification Process June 2021. Collection method: clinical testing. Allele origin: germline. Affected: yes.
Comment: Not observed at significant frequency in large population cohorts (gnomAD); In silico analysis supports that this missense variant does not alter protein structure/function; Has not been previously published as pathogenic or benign to our knowledge; This variant is associated with the following publications: (PMID: 23532176)

Natera, Inc.
Classification: Uncertain significance for Ataxia-telangiectasia. Last evaluated: 2021-04-14. Review status: no assertion criteria provided. Collection method: clinical testing. Allele origin: germline. Not counted in ClinVar's aggregate classification.

NM_000051.4(ATM):c.7525A>G (p.Met2509Val)

Genes: ATM (ATM serine/threonine kinase; plus strand), C11orf65 (chromosome 11 open reading frame 65; minus strand). Cytogenetic location: 11q22.3.
Variant type: single nucleotide variant.
Coding change: c.7525A>G on transcript NM_000051.4 (MANE Select); coding-DNA position 7525, A replaced by G.
Protein change: p.Met2509Val; replaces methionine 2509 with valine.
Molecular consequence: missense variant. On other transcripts: non-coding transcript variant (1), intron variant (2).
Genome position (GRCh38, 1-based): chr11:108,331,453, A>G. VCF-style: chr11-108331453-A-G. GRCh37 (hg19) VCF-style: chr11-108202180-A-G.
Other names: c.7525A>G, p.Met2509Val (NM_001351834.2); c.641-22382T>C (NM_001330368.2); c.*38+3767T>C (NM_001351110.2); short protein forms M2509V.
Identifiers: ClinVar variation 940517 (VCV000940517.25), dbSNP rs979101125, ClinGen allele CA228418430.